The following is an entry in ClinVar:

ClinVar aggregate classification (germline): Conflicting classifications of pathogenicity. Review status: criteria provided, conflicting classifications (1 of 4 stars). 7 submissions from 7 submitters: Uncertain significance (6); Likely benign (1). Last evaluated 2025-09-03.

Conditions:
PNPT1-related disorder. Also called: PNPT1-related condition; PNPT1-related disorders.
Inborn genetic diseases. Identifiers: MedGen C0950123, MeSH D030342.

Allele frequency attached by ClinVar (database versions not stated): ExAC 0.00004; gnomAD exomes 0.00004 and 0.00005; ESP Exome Variant Server 0.00008.
gnomAD v4.1: 86 of 1,614,068 alleles (0.0053%); highest among the groups gnomAD compares: Middle Eastern, 0.016%; 1 homozygote.

Submissions (7):

PreventionGenetics, part of Exact Sciences
Classification: Uncertain significance for PNPT1-related condition. Last evaluated: 2025-09-03. Review status: criteria provided, single submitter. Criteria: ACMG Guidelines, 2015. Collection method: clinical testing. Allele origin: germline.
Comment: The PNPT1 c.1982G>A variant is predicted to result in the amino acid substitution p.Arg661Lys. To our knowledge, this variant has not been reported in the literature. This variant is reported in 0.0079% of alleles in individuals of European (Non-Finnish) descent in gnomAD. At this time, the clinical significance of this variant is uncertain due to the absence of conclusive functional and genetic evidence.

CeGaT Center for Human Genetics Tuebingen
Classification: Likely benign. Last evaluated: 2025-09-01. Review status: criteria provided, single submitter. Criteria: CeGaT Center For Human Genetics Tuebingen Variant Classification Criteria Version 2. Collection method: clinical testing. Allele origin: germline. Affected: yes. Observed: 1 variant allele.
Comment: PNPT1: BP4

GeneDx
Classification: Uncertain significance. Last evaluated: 2024-12-18. Review status: criteria provided, single submitter. Criteria: GeneDx Variant Classification Process June 2021. Collection method: clinical testing. Allele origin: germline.
Comment: Not observed at significant frequency in large population cohorts (gnomAD); In silico analysis indicates that this missense variant does not alter protein structure/function; Has not been previously published as pathogenic or benign to our knowledge

Blueprint Genetics
Classification: Uncertain significance. Last evaluated: 2024-11-20. Review status: criteria provided, single submitter. Criteria: ACMG Guidelines, 2015. Collection method: clinical testing. Allele origin: germline.

Labcorp Genetics (formerly Invitae), Labcorp
Classification: Uncertain significance. Last evaluated: 2024-08-13. Review status: criteria provided, single submitter. Criteria: Invitae Variant Classification Sherloc (09022015). Collection method: clinical testing. Allele origin: germline.
Comment: This sequence change replaces arginine, which is basic and polar, with lysine, which is basic and polar, at codon 661 of the PNPT1 protein (p.Arg661Lys). This variant is present in population databases (rs201269381, gnomAD 0.009%). This variant has not been reported in the literature in individuals affected with PNPT1-related conditions. ClinVar contains an entry for this variant (Variation ID: 1499515). Advanced modeling of protein sequence and biophysical properties (such as structural, functional, and spatial information, amino acid conservation, physicochemical variation, residue mobility, and thermodynamic stability) performed at Invitae indicates that this missense variant is not expected to disrupt PNPT1 protein function with a negative predictive value of 80%. In summary, the available evidence is currently insufficient to determine the role of this variant in disease. Therefore, it has been classified as a Variant of Uncertain Significance.

Ambry Genetics
Classification: Uncertain significance for Inborn genetic diseases. Last evaluated: 2024-01-09. Review status: criteria provided, single submitter. Criteria: Ambry Variant Classification Scheme 2023. Collection method: clinical testing. Allele origin: germline.

Breakthrough Genomics
Classification: Uncertain significance. Review status: criteria provided, single submitter. Criteria: ACMG Guidelines, 2015. Collection method: not provided. Allele origin: germline. Inheritance: Autosomal recessive inheritance. Affected: yes.

NM_033109.5(PNPT1):c.1982G>A (p.Arg661Lys)

Gene: PNPT1 (polyribonucleotide nucleotidyltransferase 1; minus strand). Cytogenetic location: 2p16.1.
Variant type: single nucleotide variant.
Coding change: c.1982G>A on transcript NM_033109.5 (MANE Select); coding-DNA position 1982, G replaced by A.
Protein change: p.Arg661Lys; replaces arginine 661 with lysine.
Molecular consequence: missense variant.
Genome position (GRCh38, 1-based): chr2:55,643,350, C>T on the plus strand (G>A on the coding strand, the complement: PNPT1 is on the minus strand). VCF-style: chr2-55643350-C-T. GRCh37 (hg19) VCF-style: chr2-55870485-C-T.
Other names: c.1982G>A (NM_033109.4, NM_033109.3); short protein forms R661K.
Identifiers: ClinVar variation 1499515 (VCV001499515.16), dbSNP rs201269381, ClinGen allele CA1667857.